The following is an entry in ClinVar:

ClinVar aggregate classification (germline): Uncertain significance (1 of 4 stars; one submission).

Conditions:
Developmental and epileptic encephalopathy, 12 (DEE12). Identifiers: MedGen C3150988, MONDO:0013389, OMIM 613722.

Submission:

Labcorp Genetics (formerly Invitae), Labcorp
Classification: Uncertain significance for Developmental and epileptic encephalopathy, 12. Last evaluated: 2021-12-02. Review status: criteria provided, single submitter. Criteria: Invitae Variant Classification Sherloc (09022015). Collection method: clinical testing. Allele origin: germline.
Comment: In summary, the available evidence is currently insufficient to determine the role of this variant in disease. Therefore, it has been classified as a Variant of Uncertain Significance. Algorithms developed to predict the effect of missense changes on protein structure and function are either unavailable or do not agree on the potential impact of this missense change (SIFT: "Deleterious"; PolyPhen-2: "Possibly Damaging"; Align-GVGD: "Class C0"). This variant has not been reported in the literature in individuals affected with PLCB1-related conditions. This variant is not present in population databases (gnomAD no frequency). This sequence change replaces glutamic acid, which is acidic and polar, with glutamine, which is neutral and polar, at codon 653 of the PLCB1 protein (p.Glu653Gln).

NM_015192.4(PLCB1):c.1957G>C (p.Glu653Gln)

Gene: PLCB1 (phospholipase C beta 1; plus strand). Cytogenetic location: 20p12.3.
Variant type: single nucleotide variant.
Coding change: c.1957G>C on transcript NM_015192.4 (MANE Select); coding-DNA position 1957, G replaced by C.
Protein change: p.Glu653Gln; replaces glutamic acid 653 with glutamine.
Molecular consequence: missense variant.
Genome position (GRCh38, 1-based): chr20:8,733,306, G>C. VCF-style: chr20-8733306-G-C. GRCh37 (hg19) VCF-style: chr20-8713953-G-C.
Other names: c.1957G>C, p.Glu653Gln (NM_182734.3); short protein forms E653Q.
Identifiers: ClinVar variation 1474432 (VCV001474432.8), dbSNP rs2123500903, ClinGen allele CA408205592.